The following is an entry in ClinVar:

NM_001127511.3(APC):c.114G>T (p.Thr38=)

Gene: APC (APC regulator of Wnt signaling pathway; plus strand). Cytogenetic location: 5q22.2.
Variant type: single nucleotide variant.
Coding change: c.114G>T on transcript NM_001127511.3; coding-DNA position 114, G replaced by T.
Protein change: p.Thr38=; no amino-acid change (threonine 38 retained).
Molecular consequence: synonymous variant. On other transcripts: 5 prime UTR variant (8), intron variant (5), non-coding transcript variant (1).
Genome position (GRCh38, 1-based): chr5:112,707,831, G>T. VCF-style: chr5-112707831-G-T. GRCh37 (hg19) VCF-style: chr5-112043528-G-T.
Other names: c.-70G>T (NM_001354895.2, NM_001407447.1, NM_001407452.1 and 3 more transcripts); c.-19+182G>T (NM_001407450.1, NM_001407457.1, NM_001407458.1 and 1 more transcripts); c.-43+182G>T (NM_001407453.1); c.114G>T, p.Thr38= (NM_001354897.2, NM_001354902.2, NM_001407446.1); c.-1105G>T (NM_001407470.1, NM_001407472.1).
Identifiers: ClinVar variation 1059061 (VCV001059061.7), dbSNP rs761467156, ClinGen allele CA053479.

ClinVar aggregate classification (germline): Uncertain significance (1 of 4 stars; one submission).

Conditions:
Familial adenomatous polyposis 1 (FAP1). Also called: FAMILIAL ADENOMATOUS POLYPOSIS 1, ATTENUATED; POLYPOSIS, ADENOMATOUS INTESTINAL. Identifiers: MedGen C2713442, MONDO:0021056, OMIM 175100. Disease mechanism: loss of function.

Allele frequency attached by ClinVar (database versions not stated): ExAC 0.00008.
gnomAD v4.1: 5 of 1,370,426 alleles (0.00036%); highest among the groups gnomAD compares: African/African-American, 0.0072%; no homozygotes.

Submission:

Labcorp Genetics (formerly Invitae), Labcorp
Classification: Uncertain significance for Familial adenomatous polyposis 1. Last evaluated: 2025-08-10. Review status: criteria provided, single submitter. Criteria: Invitae Variant Classification Sherloc (09022015). Collection method: clinical testing. Allele origin: germline.
Comment: This variant occurs in a non-coding region of the APC gene. It does not change the encoded amino acid sequence of the APC protein. This variant is present in population databases (rs761467156, gnomAD 0.02%). This variant has not been reported in the literature in individuals affected with APC-related conditions. Experimental studies and prediction algorithms are not available or were not evaluated, and the functional significance of this variant is currently unknown. In summary, the available evidence is currently insufficient to determine the role of this variant in disease. Therefore, it has been classified as a Variant of Uncertain Significance.